The following is an entry in ClinVar:

NM_003995.4(NPR2):c.2519+3G>C

Gene: NPR2 (natriuretic peptide receptor 2; plus strand). Cytogenetic location: 9p13.3.
Variant type: single nucleotide variant.
Coding change: c.2519+3G>C on transcript NM_003995.4 (MANE Select); 3 bases into the intron after coding-DNA position 2519, G replaced by C.
Molecular consequence: intron variant.
Genome position (GRCh38, 1-based): chr9:35,806,541, G>C. VCF-style: chr9-35806541-G-C. GRCh37 (hg19) VCF-style: chr9-35806538-G-C.
Other names: c.2528+3G>C (NM_001378923.1).
Identifiers: ClinVar variation 3373445 (VCV003373445.1).
Genomic context (GRCh38, chr9:35,806,541, plus strand): 5'-AGGCCTATCTGGAGGAAAAACGCAAGGCTGAAGCTCTGCTCTACCAAATCCTACCCCAGT[G>C]AGACTTTGTCCCCCTTCCTGTATTTTCTTTTGGGATTCTGCTCTGTTGGGCTCTGCCTCA-3'

ClinVar aggregate classification (germline): Uncertain significance (1 of 4 stars; one submission).

Submission:

GeneDx
Classification: Uncertain significance. Last evaluated: 2024-02-28. Review status: criteria provided, single submitter. Criteria: GeneDx Variant Classification Process June 2021. Collection method: clinical testing. Allele origin: germline. Affected: yes.
Comment: Not observed at significant frequency in large population cohorts (gnomAD); Has not been previously published as pathogenic or benign to our knowledge; In silico analysis is inconclusive as to whether the variant alters gene splicing. In the absence of RNA/functional studies, the actual effect of this sequence change is unknown.